The following is an entry in ClinVar:

NM_001134407.3(GRIN2A):c.4389T>G (p.Asp1463Glu)

Gene: GRIN2A (glutamate ionotropic receptor NMDA type subunit 2A; minus strand). Cytogenetic location: 16p13.2.
Variant type: single nucleotide variant.
Coding change: c.4389T>G on transcript NM_001134407.3 (MANE Select); coding-DNA position 4389, T replaced by G.
Protein change: p.Asp1463Glu; replaces aspartic acid 1463 with glutamic acid.
Molecular consequence: missense variant. On other transcripts: 3 prime UTR variant (1).
Genome position (GRCh38, 1-based): chr16:9,763,155, A>C on the plus strand (T>G on the coding strand, the complement: GRIN2A is on the minus strand). VCF-style: chr16-9763155-A-C. GRCh37 (hg19) VCF-style: chr16-9857012-A-C.
Other names: c.4389T>G (NM_000833.3); c.4389T>G, p.Asp1463Glu (NM_000833.5); c.*200T>G (NM_001134408.2); short protein forms D1463E.
Identifiers: ClinVar variation 1012392 (VCV001012392.45), dbSNP rs748047572, ClinGen allele CA7896164.

ClinVar aggregate classification (germline): Uncertain significance. Review status: criteria provided, multiple submitters, no conflicts (2 of 4 stars). 3 submissions from 3 submitters: Uncertain significance (3). Last evaluated 2025-10-21.

Conditions:
Landau-Kleffner syndrome (FESD). Also called: APHASIA, ACQUIRED, WITH EPILEPSY; EPILEPSY, FOCAL, WITH SPEECH DISORDER AND WITH OR WITHOUT MENTAL RETARDATION. Identifiers: Orphanet 1945, Orphanet 725, Orphanet 98818, MedGen C0282512, MONDO:0009509, OMIM 245570.
Inborn genetic diseases. Identifiers: MedGen C0950123, MeSH D030342.

Allele frequency attached by ClinVar (database versions not stated): TOPMed 0.00001; gnomAD exomes below 0.00001; ExAC 0.00001.
gnomAD v4.1: 9 of 1,613,786 alleles (0.00056%); highest among the groups gnomAD compares: Non-Finnish European, 0.00076%; no homozygotes.

Submissions (3):

Ambry Genetics
Classification: Uncertain significance for Inborn genetic diseases. Last evaluated: 2025-10-21. Review status: criteria provided, single submitter. Criteria: Ambry Variant Classification Scheme 2023. Collection method: clinical testing. Allele origin: germline.

Labcorp Genetics (formerly Invitae), Labcorp
Classification: Uncertain significance for Landau-Kleffner syndrome. Last evaluated: 2024-02-08. Review status: criteria provided, single submitter. Criteria: Invitae Variant Classification Sherloc (09022015). Collection method: clinical testing. Allele origin: germline.
Comment: This sequence change replaces aspartic acid, which is acidic and polar, with glutamic acid, which is acidic and polar, at codon 1463 of the GRIN2A protein (p.Asp1463Glu). This variant is present in population databases (rs748047572, gnomAD 0.0009%). This variant has not been reported in the literature in individuals affected with GRIN2A-related conditions. ClinVar contains an entry for this variant (Variation ID: 1012392). Advanced modeling of protein sequence and biophysical properties (such as structural, functional, and spatial information, amino acid conservation, physicochemical variation, residue mobility, and thermodynamic stability) performed at Invitae indicates that this missense variant is not expected to disrupt GRIN2A protein function with a negative predictive value of 95%. In summary, the available evidence is currently insufficient to determine the role of this variant in disease. Therefore, it has been classified as a Variant of Uncertain Significance.

CeGaT Center for Human Genetics Tuebingen
Classification: Uncertain significance. Last evaluated: 2020-10-01. Review status: criteria provided, single submitter. Criteria: CeGaT Center For Human Genetics Tuebingen Variant Classification Criteria Version 2. Collection method: clinical testing. Allele origin: germline. Affected: yes. Observed: 1 variant allele.